The following is an entry in ClinVar:

NM_000260.4(MYO7A):c.1351C>T (p.Gln451Ter)

Gene: MYO7A (myosin VIIA; plus strand). Cytogenetic location: 11q13.5.
Variant type: single nucleotide variant.
Coding change: c.1351C>T on transcript NM_000260.4 (MANE Select); coding-DNA position 1351, C replaced by T.
Protein change: p.Gln451Ter; replaces glutamine 451 with a stop codon.
Molecular consequence: nonsense.
Genome position (GRCh38, 1-based): chr11:77,162,127, C>T. VCF-style: chr11-77162127-C-T. GRCh37 (hg19) VCF-style: chr11-76873173-C-T.
Other names: c.1351C>T, p.Gln451Ter (NM_001127180.2); c.1318C>T, p.Gln440Ter (NM_001369365.1); short protein forms Q440*, Q451*.
Identifiers: ClinVar variation 983796 (VCV000983796.3), dbSNP rs1953058015, ClinGen allele CA381935206.

ClinVar aggregate classification (germline): Likely pathogenic (1 of 4 stars; one submission).

Conditions:
Usher syndrome type 1 (USH1). Also called: RETINITIS PIGMENTOSA AND CONGENITAL DEAFNESS. Identifiers: Orphanet 231169, Orphanet 886, MedGen C1568247, MONDO:0010168, OMIM 276900.

Submission:

Myriad Genetics, Inc.
Classification: Likely pathogenic for Usher syndrome type 1. Last evaluated: 2019-05-29. Review status: criteria provided, single submitter. Criteria: Myriad Women's Health Autosomal Recessive and X-Linked Classification Criteria (2019). Collection method: clinical testing. Allele origin: unknown.
Comment: NM_000260.3(MYO7A):c.1351C>T(Q451*) is expected to be pathogenic in the context of MYO7A-related disorders. This variant is predicted to lead to an abnormal or absent protein product due to the creation of a premature termination codon in MYO7A, a gene where loss-of-function variants are known to be pathogenic. Please note: this variant was assessed in the context of healthy population screening.